The following is an entry in ClinVar:

ClinVar aggregate classification (germline): Uncertain significance (1 of 4 stars; one submission).

Submission:

Labcorp Genetics (formerly Invitae), Labcorp
Classification: Uncertain significance. Last evaluated: 2022-07-12. Review status: criteria provided, single submitter. Criteria: Invitae Variant Classification Sherloc (09022015). Collection method: clinical testing. Allele origin: germline.
Comment: ClinVar contains an entry for this variant (Variation ID: 1461546). This variant has not been reported in the literature in individuals affected with HMX1-related conditions. This variant is not present in population databases (gnomAD no frequency). This sequence change replaces lysine, which is basic and polar, with threonine, which is neutral and polar, at codon 203 of the HMX1 protein (p.Lys203Thr). Algorithms developed to predict the effect of missense changes on protein structure and function are either unavailable or do not agree on the potential impact of this missense change (SIFT: "Deleterious"; PolyPhen-2: "Benign"; Align-GVGD: "Class C25"). In summary, the available evidence is currently insufficient to determine the role of this variant in disease. Therefore, it has been classified as a Variant of Uncertain Significance.

NM_018942.3(HMX1):c.608A>C (p.Lys203Thr)

Gene: HMX1 (H6 family homeobox 1; minus strand). Cytogenetic location: 4p16.1.
Variant type: single nucleotide variant.
Coding change: c.608A>C on transcript NM_018942.3 (MANE Select); coding-DNA position 608, A replaced by C.
Protein change: p.Lys203Thr; replaces lysine 203 with threonine.
Molecular consequence: missense variant. On other transcripts: intron variant (1).
Genome position (GRCh38, 1-based): chr4:8,868,132, T>G on the plus strand (A>C on the coding strand, the complement: HMX1 is on the minus strand). VCF-style: chr4-8868132-T-G. GRCh37 (hg19) VCF-style: chr4-8869858-T-G.
Other names: c.394+3089A>C (NM_001306142.2); short protein forms K203T.
Identifiers: ClinVar variation 1461546 (VCV001461546.6), dbSNP rs1369239864, ClinGen allele CA356278210.
Genomic context (GRCh38, chr4:8,868,132, plus strand): 5'-TCGAAGGTGGATTCCAGCTGGAAGACCTGGCTGCGGGAGAAGACTGTGCGCGTCTTCTTC[T>G]TTCGGCCGCCGCCCACGCCAACGCCGCCGCGTGTCTCCCCAGCCGCCGCAGGGACCTCGG-3'
Protein context (NP_061815.2, residues 193-213): RGGVGVGGGR[Lys203Thr]KKTRTVFSRS